The following is an entry in ClinVar:

ClinVar aggregate classification (germline): Uncertain significance (1 of 4 stars; one submission).

Conditions:
Frontotemporal dementia and/or amyotrophic lateral sclerosis 4. Also called: FTDALS4. Identifiers: Orphanet 275872, MedGen C4225325, MONDO:0014641, OMIM 616439.

gnomAD v4.1: 6 of 1,578,156 alleles (0.00038%); highest among the groups gnomAD compares: East Asian, 0.0046%; no homozygotes.

Submission:

Labcorp Genetics (formerly Invitae), Labcorp
Classification: Uncertain significance for Frontotemporal dementia and/or amyotrophic lateral sclerosis 4. Last evaluated: 2024-04-06. Review status: criteria provided, single submitter. Criteria: Invitae Variant Classification Sherloc (09022015). Collection method: clinical testing. Allele origin: germline.
Comment: This sequence change replaces asparagine, which is neutral and polar, with serine, which is neutral and polar, at codon 63 of the TBK1 protein (p.Asn63Ser). The frequency data for this variant in the population databases is considered unreliable, as metrics indicate poor data quality at this position in the gnomAD database. This missense change has been observed in individual(s) with frontotemporal dementia (PMID: 28008748). Advanced modeling of protein sequence and biophysical properties (such as structural, functional, and spatial information, amino acid conservation, physicochemical variation, residue mobility, and thermodynamic stability) performed at Invitae indicates that this missense variant is not expected to disrupt TBK1 protein function with a negative predictive value of 95%. In summary, the available evidence is currently insufficient to determine the role of this variant in disease. Therefore, it has been classified as a Variant of Uncertain Significance.

Literature cited by the submitters: PubMed 28008748.

NM_013254.4(TBK1):c.188A>G (p.Asn63Ser)

Gene: TBK1 (TANK binding kinase 1; plus strand). Cytogenetic location: 12q14.2.
Variant type: single nucleotide variant.
Coding change: c.188A>G on transcript NM_013254.4 (MANE Select); coding-DNA position 188, A replaced by G.
Protein change: p.Asn63Ser; replaces asparagine 63 with serine.
Molecular consequence: missense variant.
Genome position (GRCh38, 1-based): chr12:64,460,289, A>G. VCF-style: chr12-64460289-A-G. GRCh37 (hg19) VCF-style: chr12-64854069-A-G.
Other names: short protein forms N63S.
Identifiers: ClinVar variation 3724940 (VCV003724940.2).